The following is an entry in ClinVar:

ClinVar aggregate classification (germline): Uncertain significance (1 of 4 stars; one submission).

Allele frequency attached by ClinVar (database versions not stated): TOPMed below 0.00001; gnomAD 0.00001.
gnomAD v4.1: 1 of 1,612,934 alleles (0.000062%); highest among the groups gnomAD compares: African/African-American, 0.0013%; no homozygotes.

Submission:

Ambry Genetics
Classification: Uncertain significance. Last evaluated: 2024-03-04. Review status: criteria provided, single submitter. Criteria: Ambry Variant Classification Scheme 2023. Collection method: clinical testing. Allele origin: germline.
Comment: The p.I1222T variant (also known as c.3665T>C), located in coding exon 33 of the KIF1B gene, results from a T to C substitution at nucleotide position 3665. The isoleucine at codon 1222 is replaced by threonine, an amino acid with similar properties. This amino acid position is highly conserved in available vertebrate species. In addition, this alteration is predicted to be deleterious by in silico analysis. Since supporting evidence is limited at this time, the clinical significance of this alteration remains unclear.

NM_001365951.3(KIF1B):c.3803T>C (p.Ile1268Thr)

Gene: KIF1B (kinesin family member 1B; plus strand). Cytogenetic location: 1p36.22.
Variant type: single nucleotide variant.
Coding change: c.3803T>C on transcript NM_001365951.3 (MANE Select); coding-DNA position 3803, T replaced by C.
Protein change: p.Ile1268Thr; replaces isoleucine 1268 with threonine.
Molecular consequence: missense variant.
Genome position (GRCh38, 1-based): chr1:10,347,766, T>C. VCF-style: chr1-10347766-T-C. GRCh37 (hg19) VCF-style: chr1-10407824-T-C.
Other names: c.3803T>C, p.Ile1268Thr (NM_001365952.1); c.3665T>C, p.Ile1222Thr (NM_015074.3); short protein forms I1268T, I1222T.
Identifiers: ClinVar variation 1733720 (VCV001733720.2), dbSNP rs1424475837, ClinGen allele CA338343031.